The following is an entry in ClinVar:

ClinVar aggregate classification (germline): Uncertain significance. Review status: criteria provided, multiple submitters, no conflicts (2 of 4 stars). 6 submissions from 6 submitters: Uncertain significance (6). Last evaluated 2025-07-31.

Conditions:
Familial cancer of breast. Also called: BREAST CANCER, FAMILIAL; hereditary breast carcinoma; Hereditary breast cancer. Identifiers: Orphanet 227535, MedGen C0346153, MONDO:0016419, OMIM 114480. Disease mechanism: loss of function.
Hereditary cancer-predisposing syndrome. Also called: Neoplastic Syndromes, Hereditary; Tumor predisposition; Hereditary Cancer Syndrome; Hereditary neoplastic syndrome. Identifiers: Orphanet 140162, MedGen C0027672, MeSH D009386, MONDO:0015356.

Allele frequency attached by ClinVar (database versions not stated): gnomAD exomes below 0.00001; TOPMed below 0.00001.
gnomAD v4.1: 3 of 1,611,796 alleles (0.00019%); highest among the groups gnomAD compares: Admixed American, 0.0017%; no homozygotes.

Submissions (6):

Labcorp Genetics (formerly Invitae), Labcorp
Classification: Uncertain significance for Familial cancer of breast. Last evaluated: 2025-07-31. Review status: criteria provided, single submitter. Criteria: Invitae Variant Classification Sherloc (09022015). Collection method: clinical testing. Allele origin: germline.
Comment: This sequence change replaces isoleucine, which is neutral and non-polar, with valine, which is neutral and non-polar, at codon 525 of the BARD1 protein (p.Ile525Val). This variant is present in population databases (rs536711200, gnomAD 0.0009%). This variant has not been reported in the literature in individuals affected with BARD1-related conditions. ClinVar contains an entry for this variant (Variation ID: 231941). An algorithm developed to predict the effect of missense changes on protein structure and function (PolyPhen-2) suggests that this variant is likely to be tolerated. In summary, the available evidence is currently insufficient to determine the role of this variant in disease. Therefore, it has been classified as a Variant of Uncertain Significance.

Ambry Genetics
Classification: Uncertain significance for Hereditary cancer-predisposing syndrome. Last evaluated: 2024-12-13. Review status: criteria provided, single submitter. Criteria: Ambry Variant Classification Scheme 2023. Collection method: clinical testing. Allele origin: germline.
Comment: The p.I525V variant (also known as c.1573A>G), located in coding exon 7 of the BARD1 gene, results from an A to G substitution at nucleotide position 1573. The isoleucine at codon 525 is replaced by valine, an amino acid with highly similar properties. This amino acid position is highly conserved in available vertebrate species. In addition, the in silico prediction for this alteration is inconclusive. Based on the available evidence, the clinical significance of this variant remains unclear.

Color Diagnostics, LLC DBA Color Health
Classification: Uncertain significance for Hereditary cancer-predisposing syndrome. Last evaluated: 2024-02-12. Review status: criteria provided, single submitter. Criteria: ACMG Guidelines, 2015. Collection method: clinical testing. Allele origin: germline.
Comment: This missense variant replaces isoleucine with valine at codon 525 of the BARD1 protein. Computational prediction suggests that this variant may not impact protein structure and function. To our knowledge, functional studies have not been reported for this variant. This variant has not been reported in individuals affected with BARD1-related disorders in the literature. This variant has been identified in 1/251186 chromosomes in the general population by the Genome Aggregation Database (gnomAD). The available evidence is insufficient to determine the role of this variant in disease conclusively. Therefore, this variant is classified as a Variant of Uncertain Significance.

Baylor Genetics
Classification: Uncertain significance for Familial cancer of breast. Last evaluated: 2024-01-10. Review status: criteria provided, single submitter. Criteria: ACMG Guidelines, 2015. Collection method: clinical testing. Allele origin: unknown.

GeneDx
Classification: Uncertain significance. Last evaluated: 2023-07-18. Review status: criteria provided, single submitter. Criteria: GeneDx Variant Classification Process June 2021. Collection method: clinical testing. Allele origin: germline. Affected: yes.
Comment: Not observed at significant frequency in large population cohorts (gnomAD); In silico analysis supports that this missense variant does not alter protein structure/function; Has not been previously published as pathogenic or benign to our knowledge; This variant is associated with the following publications: (PMID: 32980694, 27535533, 18480049)

Quest Diagnostics Nichols Institute San Juan Capistrano
Classification: Uncertain significance. Last evaluated: 2022-11-11. Review status: criteria provided, single submitter. Criteria: Quest Diagnostics criteria. Collection method: clinical testing. Allele origin: unknown.
Comment: The frequency of this variant in the general population, 0.000004 (1/251186 chromosomes), is uninformative in assessment of its pathogenicity. In the published literature, the variant has been reported in an unaffected control individual in a pancreatic cancer screening (PMID: 32980694 (2020)). Analysis of this variant using bioinformatics tools for the prediction of the effect of amino acid changes on protein structure and function yielded conflicting predictions that this variant is benign or damaging. Based on the available information, we are unable to determine the clinical significance of this variant.

Literature cited by the submitters: PubMed 32980694 (cited by Quest Diagnostics Nichols Institute San Juan Capistrano).

NM_000465.4(BARD1):c.1573A>G (p.Ile525Val)

Gene: BARD1 (BRCA1 associated RING domain 1; minus strand). Cytogenetic location: 2q35.
Variant type: single nucleotide variant.
Coding change: c.1573A>G on transcript NM_000465.4 (MANE Select); coding-DNA position 1573, A replaced by G.
Protein change: p.Ile525Val; replaces isoleucine 525 with valine.
Molecular consequence: missense variant. On other transcripts: non-coding transcript variant (3), intron variant (1).
Genome position (GRCh38, 1-based): chr2:214,752,551, T>C on the plus strand (A>G on the coding strand, the complement: BARD1 is on the minus strand). VCF-style: chr2-214752551-T-C. GRCh37 (hg19) VCF-style: chr2-215617275-T-C.
Other names: c.1516A>G, p.Ile506Val (NM_001282543.2); c.220A>G, p.Ile74Val (NM_001282545.2); c.163A>G, p.Ile55Val (NM_001282548.2); c.365-22043A>G (NM_001282549.2); short protein forms I525V, I506V, I55V, I74V.
Identifiers: ClinVar variation 231941 (VCV000231941.24), dbSNP rs536711200, ClinGen allele CA10577797.